The following is an entry in ClinVar:

ClinVar aggregate classification (germline): Pathogenic (1 of 4 stars; one submission).

Conditions:
Fanconi anemia (FA). Also called: Fanconi's anemia. Identifiers: Orphanet 84, MedGen C0015625, MeSH D005199, MONDO:0019391.

Submission:

Labcorp Genetics (formerly Invitae), Labcorp
Classification: Pathogenic for Fanconi anemia. Last evaluated: 2023-03-21. Review status: criteria provided, single submitter. Criteria: Invitae Variant Classification Sherloc (09022015). Collection method: clinical testing. Allele origin: germline.
Comment: This sequence change creates a premature translational stop signal (p.Ser1342Alafs*33) in the SLX4 gene. It is expected to result in an absent or disrupted protein product. Loss-of-function variants in SLX4 are known to be pathogenic (PMID: 21240277). This variant is not present in population databases (gnomAD no frequency). This variant has not been reported in the literature in individuals affected with SLX4-related conditions. For these reasons, this variant has been classified as Pathogenic.

Literature cited by the submitters: PubMed 21240277.

NM_032444.4(SLX4):c.4024del (p.Ser1342fs)

Gene: SLX4 (SLX4 structure-specific endonuclease subunit; minus strand). Cytogenetic location: 16p13.3.
Variant type: Deletion.
Coding change: c.4024del on transcript NM_032444.4 (MANE Select); coding-DNA position 4024, one base deleted (A; older notation c.4024delA).
Protein change: p.Ser1342fs; shifts the reading frame from serine 1342.
Molecular consequence: frameshift variant.
Genome position (GRCh38, 1-based): chr16:3,589,614, T deleted on the plus strand (A on the coding strand, the reverse complement: SLX4 is on the minus strand); the first of 2 consecutive T bases (chr16:3,589,614-3,589,615); deleting either gives the same sequence. VCF-style (leftmost placement, unchanged base first): chr16-3589613-CT-C. GRCh37 (hg19) VCF-style: chr16-3639614-CT-C.
Other names: short protein forms S1342fs.
Identifiers: ClinVar variation 2849406 (VCV002849406.3), dbSNP rs2548211710, ClinGen allele CA2575892823.